The following is an entry in ClinVar:

ClinVar aggregate classification (germline): Uncertain significance. Review status: criteria provided, multiple submitters, no conflicts (2 of 4 stars). 3 submissions from 3 submitters: Uncertain significance (3). Last evaluated 2024-11-05.

Conditions:
Severe combined immunodeficiency due to DNA-PKcs deficiency. Also called: IMMUNODEFICIENCY 26 WITH NEUROLOGIC ABNORMALITIES; Immunodeficiency 26 with or without neurologic abnormalities. Identifiers: Orphanet 317425, MedGen C4014833, MONDO:0014423, OMIM 615966.

Allele frequency attached by ClinVar (database versions not stated): TOPMed 0.00011; 1000 Genomes Project 30x 0.00016.
gnomAD v4.1: 32 of 1,611,282 alleles (0.002%); highest among the groups gnomAD compares: African/African-American, 0.041%; no homozygotes.

Submissions (3):

Labcorp Genetics (formerly Invitae), Labcorp
Classification: Uncertain significance for Severe combined immunodeficiency due to DNA-PKcs deficiency. Last evaluated: 2024-11-05. Review status: criteria provided, single submitter. Criteria: Invitae Variant Classification Sherloc (09022015). Collection method: clinical testing. Allele origin: germline.
Comment: This sequence change replaces glutamine, which is neutral and polar, with histidine, which is basic and polar, at codon 656 of the PRKDC protein (p.Gln656His). This variant is present in population databases (rs375910031, gnomAD 0.05%). This variant has not been reported in the literature in individuals affected with PRKDC-related conditions. ClinVar contains an entry for this variant (Variation ID: 664099). Invitae Evidence Modeling of protein sequence and biophysical properties (such as structural, functional, and spatial information, amino acid conservation, physicochemical variation, residue mobility, and thermodynamic stability) indicates that this missense variant is not expected to disrupt PRKDC protein function with a negative predictive value of 80%. In summary, the available evidence is currently insufficient to determine the role of this variant in disease. Therefore, it has been classified as a Variant of Uncertain Significance.

Women's Health and Genetics/Laboratory Corporation of America, LabCorp
Classification: Uncertain significance. Last evaluated: 2024-09-02. Review status: criteria provided, single submitter. Criteria: LabCorp Variant Classification Summary - May 2015. Collection method: clinical testing. Allele origin: germline.
Comment: Variant summary: PRKDC c.1968A>C (p.Gln656His) results in a non-conservative amino acid change located in the DNA-PKcs, N-terminal domain (IPR046804) of the encoded protein sequence. Three of five in-silico tools predict a benign effect of the variant on protein function. The variant allele was found at a frequency of 4.1e-05 in 246808 control chromosomes. This frequency is not significantly higher than estimated for a pathogenic variant in PRKDC causing Severe Combined Immunodeficiency (4.1e-05 vs 0.00035), allowing no conclusion about variant significance. To our knowledge, no occurrence of c.1968A>C in individuals affected with Severe Combined Immunodeficiency and no experimental evidence demonstrating its impact on protein function have been reported. ClinVar contains an entry for this variant (Variation ID: 664099). Based on the evidence outlined above, the variant was classified as uncertain significance.

Ambry Genetics
Classification: Uncertain significance. Last evaluated: 2022-12-01. Review status: criteria provided, single submitter. Criteria: Ambry Variant Classification Scheme 2023. Collection method: clinical testing. Allele origin: germline.
Comment: The p.Q656H variant (also known as c.1968A>C), located in coding exon 18 of the PRKDC gene, results from an A to C substitution at nucleotide position 1968. The glutamine at codon 656 is replaced by histidine, an amino acid with highly similar properties. This amino acid position is conserved. In addition, this alteration is predicted to be tolerated by in silico analysis. Since supporting evidence is limited at this time, the clinical significance of this alteration remains unclear.

NM_006904.7(PRKDC):c.1968A>C (p.Gln656His)

Gene: PRKDC (protein kinase, DNA-activated, catalytic subunit; minus strand). Cytogenetic location: 8q11.21.
Variant type: single nucleotide variant.
Coding change: c.1968A>C on transcript NM_006904.7 (MANE Select); coding-DNA position 1968, A replaced by C.
Protein change: p.Gln656His; replaces glutamine 656 with histidine.
Molecular consequence: missense variant.
Genome position (GRCh38, 1-based): chr8:47,929,937, T>G on the plus strand (A>C on the coding strand, the complement: PRKDC is on the minus strand). VCF-style: chr8-47929937-T-G. GRCh37 (hg19) VCF-style: chr8-48842497-T-G.
Other names: c.1968A>C, p.Gln656His (NM_001081640.2); short protein forms Q656H.
Identifiers: ClinVar variation 664099 (VCV000664099.9), dbSNP rs375910031, ClinGen allele CA4741584.